The following is an entry in ClinVar:

NM_004608.4(TBX6):c.73G>C (p.Asp25His)

Gene: TBX6 (T-box transcription factor 6; minus strand). Cytogenetic location: 16p11.2.
Variant type: single nucleotide variant.
Coding change: c.73G>C on transcript NM_004608.4 (MANE Select); coding-DNA position 73, G replaced by C.
Protein change: p.Asp25His; replaces aspartic acid 25 with histidine.
Molecular consequence: missense variant.
Genome position (GRCh38, 1-based): chr16:30,091,121, C>G on the plus strand (G>C on the coding strand, the complement: TBX6 is on the minus strand). VCF-style: chr16-30091121-C-G. GRCh37 (hg19) VCF-style: chr16-30102442-C-G.
Other names: short protein forms D25H.
Identifiers: ClinVar variation 3692171 (VCV003692171.2).

ClinVar aggregate classification (germline): Uncertain significance (1 of 4 stars; one submission).

Submission:

Labcorp Genetics (formerly Invitae), Labcorp
Classification: Uncertain significance. Last evaluated: 2024-09-15. Review status: criteria provided, single submitter. Criteria: Invitae Variant Classification Sherloc (09022015). Collection method: clinical testing. Allele origin: germline.
Comment: This sequence change replaces aspartic acid, which is acidic and polar, with histidine, which is basic and polar, at codon 25 of the TBX6 protein (p.Asp25His). This variant is not present in population databases (gnomAD no frequency). This variant has not been reported in the literature in individuals affected with TBX6-related conditions. An algorithm developed to predict the effect of missense changes on protein structure and function (PolyPhen-2) suggests that this variant is likely to be disruptive. In summary, the available evidence is currently insufficient to determine the role of this variant in disease. Therefore, it has been classified as a Variant of Uncertain Significance.